The following is an entry in ClinVar:

ClinVar aggregate classification (germline): Conflicting classifications of pathogenicity. Review status: criteria provided, conflicting classifications (1 of 4 stars). 4 submissions from 4 submitters: Uncertain significance (1); Likely benign (3). Last evaluated 2025-09-22.

Conditions:
SOST-related disorder. Also called: SOST-related condition.
Sclerosteosis 1 (SOST1). Also called: CORTICAL HYPEROSTOSIS WITH SYNDACTYLY. Identifiers: Orphanet 3152, MedGen C4551483, MONDO:0010016, OMIM 269500.

Allele frequency attached by ClinVar (database versions not stated): gnomAD 0.00039 and 0.00041; TOPMed 0.00042; ExAC 0.00050; gnomAD exomes 0.00057 and 0.00080; ESP Exome Variant Server 0.00092.
gnomAD v4.1: 1,218 of 1,614,208 alleles (0.075%); highest among the groups gnomAD compares: South Asian, 0.21%; 2 homozygotes.

Submissions (4):

PreventionGenetics, part of Exact Sciences
Classification: Likely benign for SOST-related condition. Last evaluated: 2025-09-22. Review status: criteria provided, single submitter. Criteria: ACMG Guidelines, 2015. Collection method: clinical testing. Allele origin: germline.
Comment: This variant is classified as likely benign based on ACMG/AMP sequence variant interpretation guidelines (Richards et al. 2015 PMID: 25741868, with internal and published modifications).

Labcorp Genetics (formerly Invitae), Labcorp
Classification: Likely benign. Last evaluated: 2025-03-31. Review status: criteria provided, single submitter. Criteria: Invitae Variant Classification Sherloc (09022015). Collection method: clinical testing. Allele origin: germline.

Blueprint Genetics
Classification: Likely benign. Last evaluated: 2024-10-18. Review status: criteria provided, single submitter. Criteria: ACMG Guidelines, 2015. Collection method: clinical testing. Allele origin: germline.

Illumina Laboratory Services, Illumina
Classification: Uncertain significance for Sclerosteosis 1. Last evaluated: 2018-01-12. Review status: criteria provided, single submitter. Criteria: ICSL Variant Classification Criteria 13 December 2019. Collection method: clinical testing. Allele origin: germline.

NM_025237.3(SOST):c.153G>A (p.Glu51=)

Gene: SOST (sclerostin; minus strand). Cytogenetic location: 17q21.31.
Variant type: single nucleotide variant.
Coding change: c.153G>A on transcript NM_025237.3 (MANE Select); coding-DNA position 153, G replaced by A.
Protein change: p.Glu51=; no amino-acid change (glutamic acid 51 retained).
Molecular consequence: synonymous variant.
Genome position (GRCh38, 1-based): chr17:43,758,589, C>T on the plus strand (G>A on the coding strand, the complement: SOST is on the minus strand). VCF-style: chr17-43758589-C-T. GRCh37 (hg19) VCF-style: chr17-41835957-C-T.
Identifiers: ClinVar variation 323440 (VCV000323440.11), dbSNP rs150640883, ClinGen allele CA8592859.